The following is an entry in ClinVar:

ClinVar aggregate classification (germline): Uncertain significance. Review status: criteria provided, multiple submitters, no conflicts (2 of 4 stars). 4 submissions from 4 submitters: Uncertain significance (4). Last evaluated 2025-06-30.

Conditions:
Familial adenomatous polyposis 1 (FAP1). Also called: POLYPOSIS, ADENOMATOUS INTESTINAL; FAMILIAL ADENOMATOUS POLYPOSIS 1, ATTENUATED. Identifiers: MedGen C2713442, MONDO:0021056, OMIM 175100. Disease mechanism: loss of function.
Hereditary cancer-predisposing syndrome. Also called: Hereditary neoplastic syndrome; Neoplastic Syndromes, Hereditary; Hereditary Cancer Syndrome; Tumor predisposition. Identifiers: Orphanet 140162, MedGen C0027672, MeSH D009386, MONDO:0015356.

Allele frequency attached by ClinVar (database versions not stated): gnomAD exomes below 0.00001.
gnomAD v4.1: 1 of 1,611,928 alleles (0.000062%); highest among the groups gnomAD compares: Non-Finnish European, 0.000085%; no homozygotes.

Submissions (4):

Ambry Genetics
Classification: Uncertain significance for Hereditary cancer-predisposing syndrome. Last evaluated: 2025-06-30. Review status: criteria provided, single submitter. Criteria: Ambry Variant Classification Scheme 2023. Collection method: clinical testing. Allele origin: germline.
Comment: The p.R463S variant (also known as c.1389A>T), located in coding exon 10 of the APC gene, results from an A to T substitution at nucleotide position 1389. The arginine at codon 463 is replaced by serine, an amino acid with dissimilar properties. This amino acid position is highly conserved in available vertebrate species. In addition, in silico predictors for this gene do not accurately predict pathogenicity. Since supporting evidence is limited at this time, the clinical significance of this alteration remains unclear.

Labcorp Genetics (formerly Invitae), Labcorp
Classification: Uncertain significance for Familial adenomatous polyposis 1. Last evaluated: 2023-10-03. Review status: criteria provided, single submitter. Criteria: Invitae Variant Classification Sherloc (09022015). Collection method: clinical testing. Allele origin: germline.
Comment: This sequence change replaces arginine, which is basic and polar, with serine, which is neutral and polar, at codon 463 of the APC protein (p.Arg463Ser). This variant is not present in population databases (gnomAD no frequency). This variant has not been reported in the literature in individuals affected with APC-related conditions. ClinVar contains an entry for this variant (Variation ID: 660652). Advanced modeling of protein sequence and biophysical properties (such as structural, functional, and spatial information, amino acid conservation, physicochemical variation, residue mobility, and thermodynamic stability) performed at Invitae indicates that this missense variant is not expected to disrupt APC protein function. In summary, the available evidence is currently insufficient to determine the role of this variant in disease. Therefore, it has been classified as a Variant of Uncertain Significance.

Color Diagnostics, LLC DBA Color Health
Classification: Uncertain significance for Hereditary cancer-predisposing syndrome. Last evaluated: 2023-09-24. Review status: criteria provided, single submitter. Criteria: ACMG Guidelines, 2015. Collection method: clinical testing. Allele origin: germline.
Comment: This missense variant replaces arginine with serine at codon 463 of the APC protein. Computational prediction suggests that this variant may not impact protein structure and function (internally defined REVEL score threshold <= 0.5, PMID: 27666373). To our knowledge, functional studies have not been reported for this variant. This variant has not been reported in individuals affected with APC-related disorders in the literature. This variant has not been identified in the general population by the Genome Aggregation Database (gnomAD). The available evidence is insufficient to determine the role of this variant in disease conclusively. Therefore, this variant is classified as a Variant of Uncertain Significance.

GeneDx
Classification: Uncertain significance. Last evaluated: 2023-03-21. Review status: criteria provided, single submitter. Criteria: GeneDx Variant Classification Process June 2021. Collection method: clinical testing. Allele origin: germline. Affected: yes.
Comment: Not observed at significant frequency in large population cohorts (gnomAD); In silico analysis supports that this missense variant has a deleterious effect on protein structure/function; Has not been previously published as pathogenic or benign to our knowledge; This variant is associated with the following publications: (PMID: 18199528)

NM_000038.6(APC):c.1389A>T (p.Arg463Ser)

Gene: APC (APC regulator of Wnt signaling pathway; plus strand). Cytogenetic location: 5q22.2.
Variant type: single nucleotide variant.
Coding change: c.1389A>T on transcript NM_000038.6 (MANE Select); coding-DNA position 1389, A replaced by T.
Protein change: p.Arg463Ser; replaces arginine 463 with serine.
Molecular consequence: missense variant.
Genome position (GRCh38, 1-based): chr5:112,821,972, A>T. VCF-style: chr5-112821972-A-T. GRCh37 (hg19) VCF-style: chr5-112157669-A-T.
Other names: c.1389A>T, p.Arg463Ser (NM_001127510.3, NM_001354895.2, NM_001354896.2); c.1335A>T, p.Arg445Ser (NM_001127511.3); c.1419A>T, p.Arg473Ser (NM_001354897.2); c.1314A>T, p.Arg438Ser (NM_001354898.2); c.1305A>T, p.Arg435Ser (NM_001354899.2); c.1212A>T, p.Arg404Ser (NM_001354900.2, NM_001354901.2); c.1116A>T, p.Arg372Ser (NM_001354902.2); c.1086A>T, p.Arg362Ser (NM_001354903.2); and 3 more; short protein forms R337S, R435S, R438S, R463S, R303S, R362S, R404S, R180S.
Identifiers: ClinVar variation 660652 (VCV000660652.18), dbSNP rs1580542608, ClinGen allele CA16024351.